The following is an entry in ClinVar:

ClinVar aggregate classification (germline): Uncertain significance (1 of 4 stars; one submission).

Submission:

Labcorp Genetics (formerly Invitae), Labcorp
Classification: Uncertain significance. Last evaluated: 2024-02-14. Review status: criteria provided, single submitter. Criteria: Invitae Variant Classification Sherloc (09022015). Collection method: clinical testing. Allele origin: germline.
Comment: This sequence change replaces methionine, which is neutral and non-polar, with arginine, which is basic and polar, at codon 1106 of the SORL1 protein (p.Met1106Arg). This variant is present in population databases (rs774239044, gnomAD 0.02%). This variant has not been reported in the literature in individuals affected with SORL1-related conditions. An algorithm developed to predict the effect of missense changes on protein structure and function (PolyPhen-2) suggests that this variant is likely to be disruptive. In summary, the available evidence is currently insufficient to determine the role of this variant in disease. Therefore, it has been classified as a Variant of Uncertain Significance.

NM_003105.6(SORL1):c.3317T>G (p.Met1106Arg)

Genes: SORL1 (sortilin related receptor 1; plus strand), LOC130006953 (ATAC-STARR-seq lymphoblastoid active region 5661; plus strand). Cytogenetic location: 11q24.1.
Variant type: single nucleotide variant.
Coding change: c.3317T>G on transcript NM_003105.6 (MANE Select); coding-DNA position 3317, T replaced by G.
Protein change: p.Met1106Arg; replaces methionine 1106 with arginine.
Molecular consequence: missense variant.
Genome position (GRCh38, 1-based): chr11:121,570,250, T>G. VCF-style: chr11-121570250-T-G. GRCh37 (hg19) VCF-style: chr11-121440959-T-G.
Other names: short protein forms M1106R.
Identifiers: ClinVar variation 3692341 (VCV003692341.2).